The following is an entry in ClinVar:

NM_001127222.2(CACNA1A):c.539+14G>A

Gene: CACNA1A (calcium voltage-gated channel subunit alpha1 A; minus strand). Cytogenetic location: 19p13.13.
Variant type: single nucleotide variant.
Coding change: c.539+14G>A on transcript NM_001127222.2 (MANE Select); 14 bases into the intron after coding-DNA position 539, G replaced by A.
Molecular consequence: intron variant.
Genome position (GRCh38, 1-based): chr19:13,452,862, C>T on the plus strand (G>A on the coding strand, the complement: CACNA1A is on the minus strand). VCF-style: chr19-13452862-C-T. GRCh37 (hg19) VCF-style: chr19-13563676-C-T.
Other names: c.539+14G>A (NM_001127221.2, NM_001174080.2, NM_000068.4 and 1 more transcripts).
Identifiers: ClinVar variation 388686 (VCV000388686.6), dbSNP rs1057523199, ClinGen allele CA16608178.

ClinVar aggregate classification (germline): Likely benign. Review status: criteria provided, multiple submitters, no conflicts (2 of 4 stars). 2 submissions from 2 submitters: Likely benign (2). Last evaluated 2022-02-08.

Conditions:
Episodic ataxia type 2 (EA2). Also called: ATAXIA, EPISODIC, WITH NYSTAGMUS; ATAXIA, FAMILIAL PAROXYSMAL; CEREBELLAR ATAXIA, PAROXYSMAL, ACETAZOLAMIDE-RESPONSIVE; CEREBELLOPATHY, HEREDITARY PAROXYSMAL; ACETAZOLAMIDE-RESPONSIVE HEREDITARY PAROXYSMAL CEREBELLAR ATAXIA; EPISODIC ATAXIA, NYSTAGMUS-ASSOCIATED. Identifiers: Orphanet 97, MedGen C1720416, MONDO:0007163, OMIM 108500.
Developmental and epileptic encephalopathy, 42 (DEE42A). Also called: DEVELOPMENTAL AND EPILEPTIC ENCEPHALOPATHY 42A; EPILEPTIC ENCEPHALOPATHY, EARLY INFANTILE, 42A; Epileptic encephalopathy, early infantile, 42. Identifiers: MedGen C4310716, MONDO:0014917, OMIM 617106.

Allele frequency attached by ClinVar (database versions not stated): gnomAD exomes below 0.00001.
gnomAD v4.1: 3 of 1,612,266 alleles (0.00019%); highest among the groups gnomAD compares: Non-Finnish European, 0.00025%; no homozygotes.

Submissions (2):

Labcorp Genetics (formerly Invitae), Labcorp
Classification: Likely benign for Developmental and epileptic encephalopathy, 42; Episodic ataxia type 2. Last evaluated: 2022-02-08. Review status: criteria provided, single submitter. Criteria: Invitae Variant Classification Sherloc (09022015). Collection method: clinical testing. Allele origin: germline.

GeneDx
Classification: Likely benign. Last evaluated: 2017-04-04. Review status: criteria provided, single submitter. Criteria: GeneDx Variant Classification (06012015). Collection method: clinical testing. Allele origin: germline. Affected: yes.
Comment: This variant is considered likely benign or benign based on one or more of the following criteria: it is a conservative change, it occurs at a poorly conserved position in the protein, it is predicted to be benign by multiple in silico algorithms, and/or has population frequency not consistent with disease.